The following is an entry in ClinVar:

ClinVar aggregate classification (germline): Uncertain significance. Review status: criteria provided, multiple submitters, no conflicts (2 of 4 stars). 2 submissions from 2 submitters: Uncertain significance (2). Last evaluated 2021-11-05.

Conditions:
Hereditary cancer-predisposing syndrome. Also called: Neoplastic Syndromes, Hereditary; Hereditary Cancer Syndrome; Tumor predisposition; Hereditary neoplastic syndrome. Identifiers: Orphanet 140162, MedGen C0027672, MeSH D009386, MONDO:0015356.

Submissions (2):

Labcorp Genetics (formerly Invitae), Labcorp
Classification: Uncertain significance. Last evaluated: 2021-11-05. Review status: criteria provided, single submitter. Criteria: Invitae Variant Classification Sherloc (09022015). Collection method: clinical testing. Allele origin: germline.
Comment: This sequence change replaces valine, which is neutral and non-polar, with leucine, which is neutral and non-polar, at codon 1444 of the POLE protein (p.Val1444Leu). This variant is not present in population databases (gnomAD no frequency). This variant has not been reported in the literature in individuals affected with POLE-related conditions. Algorithms developed to predict the effect of missense changes on protein structure and function (SIFT, PolyPhen-2, Align-GVGD) all suggest that this variant is likely to be tolerated. In summary, the available evidence is currently insufficient to determine the role of this variant in disease. Therefore, it has been classified as a Variant of Uncertain Significance.

Ambry Genetics
Classification: Uncertain significance for Hereditary cancer-predisposing syndrome. Last evaluated: 2021-07-24. Review status: criteria provided, single submitter. Criteria: Ambry Variant Classification Scheme 2023. Collection method: clinical testing. Allele origin: germline.
Comment: The p.V1444L variant (also known as c.4330G>C), located in coding exon 34 of the POLE gene, results from a G to C substitution at nucleotide position 4330. The valine at codon 1444 is replaced by leucine, an amino acid with highly similar properties. This amino acid position is conserved. In addition, this alteration is predicted to be tolerated by in silico analysis. Since supporting evidence is limited at this time, the clinical significance of this alteration remains unclear.

NM_006231.4(POLE):c.4330G>C (p.Val1444Leu)

Gene: POLE (DNA polymerase epsilon, catalytic subunit; minus strand). Cytogenetic location: 12q24.33.
Variant type: single nucleotide variant.
Coding change: c.4330G>C on transcript NM_006231.4 (MANE Select); coding-DNA position 4330, G replaced by C.
Protein change: p.Val1444Leu; replaces valine 1444 with leucine.
Molecular consequence: missense variant.
Genome position (GRCh38, 1-based): chr12:132,643,521, C>G on the plus strand (G>C on the coding strand, the complement: POLE is on the minus strand). VCF-style: chr12-132643521-C-G. GRCh37 (hg19) VCF-style: chr12-133220107-C-G.
Other names: short protein forms V1444L.
Identifiers: ClinVar variation 1476599 (VCV001476599.8), dbSNP rs773110517, ClinGen allele CA387381451.